The following is an entry in ClinVar:

ClinVar aggregate classification (germline): Uncertain significance. Review status: criteria provided, multiple submitters, no conflicts (2 of 4 stars). 3 submissions from 3 submitters: Uncertain significance (3). Last evaluated 2023-11-06.

Conditions:
Developmental and epileptic encephalopathy, 30 (DEE30). Also called: Epileptic encephalopathy, early infantile, 30. Identifiers: MedGen C4225360, MONDO:0014595, OMIM 616341.

Submissions (3):

Labcorp Genetics (formerly Invitae), Labcorp
Classification: Uncertain significance for Developmental and epileptic encephalopathy, 30. Last evaluated: 2023-11-06. Review status: criteria provided, single submitter. Criteria: Invitae Variant Classification Sherloc (09022015). Collection method: clinical testing. Allele origin: germline.
Comment: This sequence change replaces leucine, which is neutral and non-polar, with histidine, which is basic and polar, at codon 706 of the SIK1 protein (p.Leu706His). This variant is not present in population databases (gnomAD no frequency). This variant has not been reported in the literature in individuals affected with SIK1-related conditions. Advanced modeling of protein sequence and biophysical properties (such as structural, functional, and spatial information, amino acid conservation, physicochemical variation, residue mobility, and thermodynamic stability) performed at Invitae indicates that this missense variant is not expected to disrupt SIK1 protein function with a negative predictive value of 95%. In summary, the available evidence is currently insufficient to determine the role of this variant in disease. Therefore, it has been classified as a Variant of Uncertain Significance.

CeGaT Center for Human Genetics Tuebingen
Classification: Uncertain significance. Last evaluated: 2023-10-01. Review status: criteria provided, single submitter. Criteria: CeGaT Center For Human Genetics Tuebingen Variant Classification Criteria Version 2. Collection method: clinical testing. Allele origin: germline. Affected: yes. Observed: 1 variant allele.
Comment: SIK1: PM2, BP4

Neuberg Centre For Genomic Medicine, NCGM
Classification: Uncertain significance for Developmental and epileptic encephalopathy, 30. Last evaluated: 2023-06-22. Review status: criteria provided, single submitter. Criteria: ACMG Guidelines, 2015. Collection method: clinical testing. Allele origin: germline. Inheritance: Autosomal dominant inheritance. Affected: yes.
Comment: The observed missense variant in gene has not been reported previously as a pathogenic variant nor as a benign variant, to our knowledge. This variant is absent in gnomAD Exomes. The amino acid Leu at position 706 is changed to a His changing protein sequence and it might alter its composition and physico-chemical properties. The amino acid change p.Leu706His in SIK1 is predicted as conserved by GERP++ and PhyloP across 100 vertebrates. Computational evidence (Polyphen - Damaging, SIFT - Tolerated, and MutationTaster - Polymorphism automatic) predicts conflicting evidence on protein structure and function for this variant. For these reasons, this variant has been classified as Uncertain Significance.

NM_173354.5(SIK1):c.2117T>A (p.Leu706His)

Gene: SIK1 (salt inducible kinase 1; minus strand). Cytogenetic location: 21q22.3.
Variant type: single nucleotide variant.
Coding change: c.2117T>A on transcript NM_173354.5 (MANE Select); coding-DNA position 2117, T replaced by A.
Protein change: p.Leu706His; replaces leucine 706 with histidine.
Molecular consequence: missense variant.
Genome position (GRCh38, 1-based): chr21:43,416,977, A>T on the plus strand (T>A on the coding strand, the complement: SIK1 is on the minus strand). VCF-style: chr21-43416977-A-T. GRCh37 (hg19) VCF-style: chr21-44836857-A-T.
Other names: short protein forms L706H.
Identifiers: ClinVar variation 2652719 (VCV002652719.28), dbSNP rs2516963864, ClinGen allele CA410606618.
Genomic context (GRCh38, chr21:43,416,977, plus strand): 5'-TGCGCCGCTGAGGCCACCGGGGACGCGCCGGTCTGCAGGAGTGGGGGCGGCAGCAGCGGG[A>T]GCCCCGACGTGAGGAGGGTGCTGGGGAGCGGGGCAGCCCCAGGGCCATCACAGGGGGCGA-3'
Protein context (NP_775490.2, residues 696-716): PLPSTLLTSG[Leu706His]PLLPPPLLQT